The following is an entry in ClinVar:

ClinVar aggregate classification (germline): Uncertain significance. Review status: criteria provided, multiple submitters, no conflicts (2 of 4 stars). 2 submissions from 2 submitters: Uncertain significance (2). Last evaluated 2025-03-12.

Conditions:
Inborn genetic diseases. Identifiers: MedGen C0950123, MeSH D030342.

gnomAD v4.1: 15 of 1,612,470 alleles (0.00093%); highest among the groups gnomAD compares: Non-Finnish European, 0.0013%; no homozygotes.

Submissions (2):

Labcorp Genetics (formerly Invitae), Labcorp
Classification: Uncertain significance. Last evaluated: 2025-03-12. Review status: criteria provided, single submitter. Criteria: Invitae Variant Classification Sherloc (09022015). Collection method: clinical testing. Allele origin: germline.
Comment: This sequence change replaces histidine, which is basic and polar, with proline, which is neutral and non-polar, at codon 877 of the FOCAD protein (p.His877Pro). This variant is not present in population databases (gnomAD no frequency). This variant has not been reported in the literature in individuals affected with FOCAD-related conditions. ClinVar contains an entry for this variant (Variation ID: 3279459). Experimental studies and prediction algorithms are not available or were not evaluated, and the functional significance of this variant is currently unknown. In summary, the available evidence is currently insufficient to determine the role of this variant in disease. Therefore, it has been classified as a Variant of Uncertain Significance.

Ambry Genetics
Classification: Uncertain significance for Inborn genetic diseases. Last evaluated: 2024-04-15. Review status: criteria provided, single submitter. Criteria: Ambry Variant Classification Scheme 2023. Collection method: clinical testing. Allele origin: germline.

NM_001375567.1(FOCAD):c.2630A>C (p.His877Pro)

Gene: FOCAD (focadhesin; plus strand). Cytogenetic location: 9p21.3.
Variant type: single nucleotide variant.
Coding change: c.2630A>C on transcript NM_001375567.1 (MANE Select); coding-DNA position 2630, A replaced by C.
Protein change: p.His877Pro; replaces histidine 877 with proline.
Molecular consequence: missense variant.
Genome position (GRCh38, 1-based): chr9:20,907,154, A>C. VCF-style: chr9-20907154-A-C. GRCh37 (hg19) VCF-style: chr9-20907153-A-C.
Other names: c.2525A>C, p.His842Pro (NM_001375568.1, NM_001375570.1); c.2630A>C, p.His877Pro (NM_017794.5); short protein forms H877P, H842P.
Identifiers: ClinVar variation 3279459 (VCV003279459.3).
Genomic context (GRCh38, chr9:20,907,154, plus strand): 5'-TTTATTCTTTTTTAATACTGTGTAGCCTAATATGTTGTGGTACATTTTTCCCATAGGTTC[A>C]TATCCAGCTTTCAGAGTGGCACCGTGCAATTTTTCTTCCACAGGCCTGGCTTGCATACAT-3'
Protein context (NP_001362496.1, residues 867-887): QTSLALVHEV[His877Pro]IQLSEWHRAI